The following is an entry in ClinVar:

ClinVar aggregate classification (germline): Conflicting classifications of pathogenicity. Review status: criteria provided, conflicting classifications (1 of 4 stars). 7 submissions from 7 submitters: Likely pathogenic (1); Uncertain significance (4). 2 of the submissions do not count toward it. Last evaluated 2026-05-21.

Conditions:
Peroxisome biogenesis disorder. Identifiers: Orphanet 79189, MedGen C1832200, MONDO:0019234. Disease mechanism: loss of function.
Zellweger spectrum disorders (ZS). Also called: Zellweger syndrome; Zellweger Spectrum Disorder (ZSD); Zellweger Spectrum Disorder; Zellweger Spectrum. Identifiers: Orphanet 912, MedGen C0043459, MONDO:0019609.
Heimler syndrome 2 (HMLR2). Also called: PEROXISOME BIOGENESIS DISORDER 4C. Identifiers: Orphanet 3220, MedGen C4225267, OMIM 616617, MONDO:0014709.
PEX6-related disorder. Also called: PEX6-related disorders; PEX6-related condition.
Peroxisome biogenesis disorder 4A (Zellweger) (PBD4A). Also called: Zellweger syndrome spectrum (PEX6-related). Identifiers: Orphanet 912, MedGen C3553936, MONDO:0013930, OMIM 614862. Disease mechanism: loss of function.
Peroxisome biogenesis disorder 4B (PBD4B). Also called: SPINOCEREBELLAR ATAXIA WITH BLINDNESS AND DEAFNESS 1. Identifiers: Orphanet 44, Orphanet 95433, MedGen C3553937, MONDO:0013931, OMIM 614863.

Allele frequency attached by ClinVar (database versions not stated): ExAC 0.00001; TOPMed 0.00001; gnomAD exomes 0.00002; ESP Exome Variant Server 0.00008.
gnomAD v4.1: 40 of 1,614,066 alleles (0.0025%); highest among the groups gnomAD compares: East Asian, 0.0089%; no homozygotes.

Submissions (7):

PreventionGenetics, part of Exact Sciences
Classification: Uncertain significance for PEX6-related condition. Last evaluated: 2026-05-21. Review status: criteria provided, single submitter. Criteria: ACMG Guidelines, 2015. Collection method: clinical testing. Allele origin: germline.
Comment: The PEX6 c.1992G>C variant is predicted to result in the amino acid substitution p.Glu664Asp. This variant was reported in one individual with Zellweger syndrome who also had a second PEX6 variant interpreted as pathogenic (Berendse et al. 2015. PubMed ID: 26287655). This variant is reported in 0.020% of alleles in individuals of East Asian descent in gnomAD. This variant is interpreted as uncertain by the majority of labs in ClinVar (Variation ID: 972112). Although we suspect that this variant may be pathogenic, at this time, the clinical significance of this variant is uncertain due to the absence of conclusive functional and genetic evidence.

Baylor Genetics
Classification: Likely pathogenic for Heimler syndrome 2. Last evaluated: 2024-02-26. Review status: criteria provided, single submitter. Criteria: ACMG Guidelines, 2015. Collection method: clinical testing. Allele origin: unknown.

Labcorp Genetics (formerly Invitae), Labcorp
Classification: Uncertain significance for Peroxisome biogenesis disorder. Last evaluated: 2022-01-17. Review status: criteria provided, single submitter. Criteria: Invitae Variant Classification Sherloc (09022015). Collection method: clinical testing. Allele origin: germline.
Comment: This sequence change replaces glutamic acid, which is acidic and polar, with aspartic acid, which is acidic and polar, at codon 664 of the PEX6 protein (p.Glu664Asp). This variant is present in population databases (rs267608230, gnomAD 0.02%). This missense change has been observed in individual(s) with Zellweger Syndrome Spectrum (PMID: 19877282, 26287655). ClinVar contains an entry for this variant (Variation ID: 972112). Algorithms developed to predict the effect of missense changes on protein structure and function are either unavailable or do not agree on the potential impact of this missense change (SIFT: "Deleterious"; PolyPhen-2: "Benign"; Align-GVGD: "Class C0"). In summary, the available evidence is currently insufficient to determine the role of this variant in disease. Therefore, it has been classified as a Variant of Uncertain Significance.

Fulgent Genetics
Classification: Uncertain significance for Peroxisome biogenesis disorder 4A (Zellweger); Peroxisome biogenesis disorder 4B; Heimler syndrome 2. Last evaluated: 2021-10-13. Review status: criteria provided, single submitter. Criteria: ACMG Guidelines, 2015. Collection method: clinical testing. Allele origin: unknown.

Blueprint Genetics
Classification: Uncertain significance. Last evaluated: 2021-08-19. Review status: criteria provided, single submitter. Criteria: ACMG Guidelines, 2015. Collection method: clinical testing. Allele origin: germline.

Next Generation Genetic Polyclinic
Classification: Likely pathogenic for Peroxisome biogenesis disorder 4A (Zellweger). Last evaluated: 2024-08-07. Review status: no assertion criteria provided. Collection method: clinical testing. Allele origin: germline. Inheritance: Autosomal recessive inheritance. Affected: yes. Observed: 1 homozygote. Not counted in ClinVar's aggregate classification.
Comment: The NM_000287.4 c.1992G>C variant in the PEX6 gene is a missense mutation that results in the substitution of glycine with arginine at codon 664 (p.Gly664Arg). This variant has been reported in individuals with peroxisomal biogenesis disorders, suggesting a potential pathogenic role. Using predictive tools such as SIFT and PolyPhen, this variant is assessed as likely deleterious. SIFT suggests that it may disrupt protein function, while PolyPhen indicates that it could be damaging to the protein's structure. In summary, this variant aligns with criteria set forth by the ClinGen PEX6 VCEP, indicating it may contribute to the patient's clinical presentation and warrant further investigation for potential implications in diagnosis and management. Functional studies are needed to elucidate the impact of this variant on protein function. Further evidence, including co-segregation analysis and population frequency data, should be considered to assess its clinical significance.

Natera, Inc.
Classification: Uncertain significance for Zellweger syndrome. Last evaluated: 2020-03-06. Review status: no assertion criteria provided. Collection method: clinical testing. Allele origin: germline. Not counted in ClinVar's aggregate classification.

Literature cited by the submitters: PubMed 19877282 (cited by Labcorp Genetics (formerly Invitae), Labcorp); PubMed 26287655 (cited by Labcorp Genetics (formerly Invitae), Labcorp).

NM_000287.4(PEX6):c.1992G>C (p.Glu664Asp)

Gene: PEX6 (peroxisomal biogenesis factor 6; minus strand). Cytogenetic location: 6p21.1.
Variant type: single nucleotide variant.
Coding change: c.1992G>C on transcript NM_000287.4 (MANE Select); coding-DNA position 1992, G replaced by C.
Protein change: p.Glu664Asp; replaces glutamic acid 664 with aspartic acid.
Molecular consequence: missense variant. On other transcripts: non-coding transcript variant (1).
Genome position (GRCh38, 1-based): chr6:42,966,627, C>G on the plus strand (G>C on the coding strand, the complement: PEX6 is on the minus strand). VCF-style: chr6-42966627-C-G. GRCh37 (hg19) VCF-style: chr6-42934365-C-G.
Other names: c.1728G>C, p.Glu576Asp (NM_001316313.2); short protein forms E664D, E576D.
Identifiers: ClinVar variation 972112 (VCV000972112.14), dbSNP rs267608230, ClinGen allele CA3811146.